The following is an entry in ClinVar:

ClinVar aggregate classification (germline): Pathogenic. Review status: reviewed by expert panel (3 of 4 stars). 5 submissions from 5 submitters: Pathogenic (1). 4 of the submissions do not count toward it. Last evaluated 2023-05-27.

Conditions:
Monogenic diabetes. Identifiers: Orphanet 183625, MedGen C3888631, MONDO:0015967.
Maturity-onset diabetes of the young (MODY). Also called: Maturity onset diabetes mellitus in young. Identifiers: Orphanet 552, MedGen C0342276, MONDO:0018911, HP:0004904.
Maturity-onset diabetes of the young type 1. Also called: MODY type 1; Diabetes mellitus MODY type 1; MODY HNF4A related; HNF4A-Related Maturity-Onset Diabetes of the Young Type 1; MODY, type I; MILD JUVENILE DIABETES MELLITUS. Identifiers: Orphanet 552, MedGen C1852093, MONDO:0007452, OMIM 125850. Disease mechanism: loss of function.

Submissions (5):

ClinGen Monogenic Diabetes Variant Curation Expert Panel
Classification: Pathogenic for Monogenic diabetes. Last evaluated: 2023-05-27. Review status: reviewed by expert panel. Criteria: MDEP HNF4A Specificiations 1.0.0. Collection method: curation. Allele origin: germline. Inheritance: Autosomal dominant inheritance.
Comment: The c.224+2T>C variant in the Hepatocyte Nuclear Factor 4 Alpha gene, HNF4A, is predicted to remove a canonical splice donor site in intron 2 of NM_175914.5. This variant is predicted to cause skipping of biologically-relevant exon 3 of 10, resulting in a frameshift, leading to nonsense mediated decay in a gene in which loss-of-function is an established disease mechanism (PVS1; PMID: 23348805). Additionally, this variant is absent from gnomAD v2.1.1 (PM2_Supporting). In summary, c.224+2T>C meets the criteria to be classified as Pathogenic for monogenic diabetes. ACMG/AMP criteria applied, as specified by the ClinGen MDEP (specification version 1.0.0, approved 11/16/2022): PVS1, PM2_Supporting, PP4_Moderate.

Molecular Genetics, Royal Melbourne Hospital
Classification: Pathogenic for Maturity-onset diabetes of the young type 1. Last evaluated: 2024-04-07. Review status: criteria provided, single submitter. Criteria: ACMG Guidelines, 2015. Collection method: clinical testing. Allele origin: germline. Inheritance: Autosomal dominant inheritance. Affected: yes. Not counted in ClinVar's aggregate classification.
Comment: This sequence change in HNF4A occurs within the canonical splice donor site of intron 2. It is predicted to cause cryptic donor splice site activation resulting in a frameshift leading to nonsense-mediated decay in a gene in which loss-of-function is an established disease mechanism (PMID: 23348805, 15761495). This variant is absent from the population database gnomAD v4.0. This variant has been detected in at least two probands with phenotypes consistent with maturity-onset diabetes of the young (MODY), and displaying a clinical history highly specific for HNF4A-MODY (MODY probability calculator result >50% and negative genetic testing for HNF1A; ClinVar: SCV003932663.1; Melbourne Health Pathology). Based on the classification scheme RMH Modified ACMG/AMP Guidelines v1.6.1, this variant is classified as PATHOGENIC. Following criteria are met: PVS1, PM2_Supporting, PP4.

Labcorp Genetics (formerly Invitae), Labcorp
Classification: Likely pathogenic. Last evaluated: 2023-06-10. Review status: criteria provided, single submitter. Criteria: Invitae Variant Classification Sherloc (09022015). Collection method: clinical testing. Allele origin: germline. Not counted in ClinVar's aggregate classification.
Comment: In summary, the currently available evidence indicates that the variant is pathogenic, but additional data are needed to prove that conclusively. Therefore, this variant has been classified as Likely Pathogenic. Algorithms developed to predict the effect of sequence changes on RNA splicing suggest that this variant may disrupt the consensus splice site. ClinVar contains an entry for this variant (Variation ID: 393110). This variant has not been reported in the literature in individuals affected with HNF4A-related conditions. This variant is not present in population databases (gnomAD no frequency). This sequence change affects a donor splice site in intron 2 of the HNF4A gene. It is expected to disrupt RNA splicing. Variants that disrupt the donor or acceptor splice site typically lead to a loss of protein function (PMID: 16199547), and loss-of-function variants in HNF4A are known to be pathogenic (PMID: 20164212, 23275527, 23348805, 24097065).

GeneDx
Classification: Pathogenic. Last evaluated: 2019-10-04. Review status: criteria provided, single submitter. Criteria: GeneDx Variant Classification Process June 2021. Collection method: clinical testing. Allele origin: germline. Affected: yes. Not counted in ClinVar's aggregate classification.
Comment: Canonical splice site variant in a gene for which loss-of-function is a known mechanism of disease; Not observed in large population cohorts (Lek et al., 2016); Has not been previously published as pathogenic or benign to our knowledge

Clinical Genomics, Uppaluri K&H Personalized Medicine Clinic
Classification: Likely pathogenic for Maturity-onset diabetes of the young. Review status: criteria provided, single submitter. Criteria: K & H Uppaluri Personalized Medicine Clinic Variant Classification & Assertion Criteria_Updated V.1. Collection method: research. Allele origin: unknown. Inheritance: Autosomal dominant inheritance. Not counted in ClinVar's aggregate classification.
Comment: Potent mutations in HNF4A are associated with poor insulin secretion in response to hyperglycemia. Associated with MODY1. Patients initially respond well to sulfonylureas but eventually become insulin dependent. However, more evidence is required to ascertain the role of this particular variant rs1057524790 in MODY, yet.

Literature cited by the submitters: PubMed 15761495 (cited by Molecular Genetics, Royal Melbourne Hospital); PubMed 23348805 (cited by Molecular Genetics, Royal Melbourne Hospital and Labcorp Genetics (formerly Invitae), Labcorp); PubMed 16199547 (cited by Labcorp Genetics (formerly Invitae), Labcorp); PubMed 20164212 (cited by Labcorp Genetics (formerly Invitae), Labcorp); PubMed 23275527 (cited by Labcorp Genetics (formerly Invitae), Labcorp); PubMed 24097065 (cited by Labcorp Genetics (formerly Invitae), Labcorp); DOI 10.1159/000334532 (cited by Clinical Genomics, Uppaluri K&H Personalized Medicine Clinic); PubMed 18268044 (cited by Clinical Genomics, Uppaluri K&H Personalized Medicine Clinic); PubMed 17563455 (cited by Clinical Genomics, Uppaluri K&H Personalized Medicine Clinic); PubMed 32583173 (cited by Clinical Genomics, Uppaluri K&H Personalized Medicine Clinic); PubMed 35052457 (cited by Clinical Genomics, Uppaluri K&H Personalized Medicine Clinic); PubMed 35118593 (cited by Clinical Genomics, Uppaluri K&H Personalized Medicine Clinic).

NM_175914.5(HNF4A):c.224+2T>C

Gene: HNF4A (hepatocyte nuclear factor 4 alpha; plus strand). Cytogenetic location: 20q13.12.
Variant type: single nucleotide variant.
Coding change: c.224+2T>C on transcript NM_175914.5 (MANE Select); the canonical splice donor site of the intron after coding-DNA position 224, T replaced by C.
Molecular consequence: splice donor variant.
Genome position (GRCh38, 1-based): chr20:44,406,234, T>C. VCF-style: chr20-44406234-T-C. GRCh37 (hg19) VCF-style: chr20-43034874-T-C.
Other names: c.215+2T>C (NM_001287182.2, NM_001287183.2, NM_001287184.2); c.224+2T>C (NM_001030003.3, NM_001030004.3); c.269+2T>C (NM_001258355.2); c.290+2T>C (NM_178849.3, NM_000457.6, NM_178850.3).
Identifiers: ClinVar variation 393110 (VCV000393110.11), dbSNP rs1057524790, ClinGen allele CA16607985.
Genomic context (GRCh38, chr20:44,406,234, plus strand): 5'-GACGGCTGCAAGGGCTTCTTCCGGAGGAGCGTGCGGAAGAACCACATGTACTCCTGCAGG[T>C]GAGGAGCCTCAATTTCTTCAGCTGGGAAATGGGCACACTTGGGCTCATGGCCCCAAGGTC-3'